The following is an entry in ClinVar:

ClinVar aggregate classification (germline): Benign/Likely benign. Review status: criteria provided, multiple submitters, no conflicts (2 of 4 stars). 3 submissions from 3 submitters: Benign (2); Likely benign (1). Last evaluated 2025-10-03.

Submissions (3):

Labcorp Genetics (formerly Invitae), Labcorp
Classification: Benign. Last evaluated: 2025-10-03. Review status: criteria provided, single submitter. Criteria: Invitae Variant Classification Sherloc (09022015). Collection method: clinical testing. Allele origin: germline.

Mayo Clinic Laboratories, Mayo Clinic
Classification: Likely benign. Last evaluated: 2025-05-02. Review status: criteria provided, single submitter. Criteria: ACMG Guidelines, 2015. Collection method: clinical testing. Allele origin: germline. Observed: 1 variant allele.
Comment: BS1, BP4, BP7

Athena Diagnostics
Classification: Benign. Last evaluated: 2019-05-21. Review status: criteria provided, single submitter. Criteria: Athena Diagnostics Criteria. Collection method: clinical testing. Allele origin: germline.

NM_004115.4(FGF14):c.608-9del

Gene: FGF14 (fibroblast growth factor 14; minus strand). Cytogenetic location: 13q33.1.
Variant type: Deletion.
Coding change: c.608-9del on transcript NM_004115.4 (MANE Select); 9 bases into the intron before coding-DNA position 608, one base deleted (C; older notation c.608-9delC).
Molecular consequence: intron variant.
Genome position (GRCh38, 1-based): chr13:101,722,976, G deleted on the plus strand (C on the coding strand, the reverse complement: FGF14 is on the minus strand); the first of 3 consecutive G bases (chr13:101,722,976-101,722,978); deleting any one gives the same sequence. VCF-style (leftmost placement, unchanged base first): chr13-101722975-TG-T. GRCh37 (hg19) VCF-style: chr13-102375325-TG-T.
Other names: p.?; c.608-9del (NM_004115.3); c.467-9del (NM_001321947.2); c.506-9del (NM_001379342.1, NM_001321948.2, NM_001321945.2); c.356-9del (NM_001321946.2, NM_001321949.1, NM_001321943.1 and 4 more transcripts); c.428-9del (NM_001321938.2, NM_001321940.1, NM_001321933.1); c.512-9del (NM_001321939.2); c.623-9del (NM_175929.3); and 2 more.
Identifiers: ClinVar variation 804797 (VCV000804797.6), dbSNP rs558457368, ClinGen allele CA7037113.